The following is an entry in ClinVar:

ClinVar aggregate classification (germline): Uncertain significance (1 of 4 stars; one submission).

Conditions:
Hereditary spastic paraplegia 11. Also called: SPASTIC PARAPLEGIA, AUTOSOMAL RECESSIVE, COMPLICATED, WITH THIN CORPUS CALLOSUM; SPASTIC PARAPLEGIA, AUTOSOMAL RECESSIVE, WITH MENTAL IMPAIRMENT AND THIN CORPUS CALLOSUM; Spastic Paraplegia 11; Spastic paraplegia, mental retardation and thin corpus callosum; Nakamura Osame syndrome; Autosomal recessive hereditary spastic paraplegia, mental impairment, and thin corpus callosum. Identifiers: Orphanet 2822, MedGen C1858479, MONDO:0011445, OMIM 604360.

Allele frequency attached by ClinVar (database versions not stated): gnomAD exomes 0.00002; gnomAD 0.00003; TOPMed 0.00003.

Submission:

Labcorp Genetics (formerly Invitae), Labcorp
Classification: Uncertain significance for Hereditary spastic paraplegia 11. Last evaluated: 2022-01-16. Review status: criteria provided, single submitter. Criteria: Invitae Variant Classification Sherloc (09022015). Collection method: clinical testing. Allele origin: germline.
Comment: This sequence change replaces leucine, which is neutral and non-polar, with valine, which is neutral and non-polar, at codon 772 of the SPG11 protein (p.Leu772Val). This variant is present in population databases (no rsID available, gnomAD 0.002%). This variant has not been reported in the literature in individuals affected with SPG11-related conditions. Algorithms developed to predict the effect of missense changes on protein structure and function are either unavailable or do not agree on the potential impact of this missense change (SIFT: "Tolerated"; PolyPhen-2: "Probably Damaging"; Align-GVGD: "Class C0"). In summary, the available evidence is currently insufficient to determine the role of this variant in disease. Therefore, it has been classified as a Variant of Uncertain Significance.

NM_025137.4(SPG11):c.2314T>G (p.Leu772Val)

Gene: SPG11 (SPG11 vesicle trafficking associated, spatacsin; minus strand). Cytogenetic location: 15q21.1.
Variant type: single nucleotide variant.
Coding change: c.2314T>G on transcript NM_025137.4 (MANE Select); coding-DNA position 2314, T replaced by G.
Protein change: p.Leu772Val; replaces leucine 772 with valine.
Molecular consequence: missense variant.
Genome position (GRCh38, 1-based): chr15:44,622,730, A>C on the plus strand (T>G on the coding strand, the complement: SPG11 is on the minus strand). VCF-style: chr15-44622730-A-C. GRCh37 (hg19) VCF-style: chr15-44914928-A-C.
Other names: c.2314T>G, p.Leu772Val (NM_001160227.2, NM_001411132.1); short protein forms L772V.
Identifiers: ClinVar variation 2041166 (VCV002041166.1), dbSNP rs1042231029, ClinGen allele CA270074891.